The following is an entry in ClinVar:

ClinVar aggregate classification (germline): Uncertain significance. Review status: criteria provided, multiple submitters, no conflicts (2 of 4 stars). 2 submissions from 2 submitters: Uncertain significance (2). Last evaluated 2025-08-11.

Conditions:
Familial thoracic aortic aneurysm and aortic dissection (TAAD). Also called: Thoracic aortic aneurysms and dissections. Identifiers: Orphanet 91387, MedGen C4707243, MONDO:0019625.

Submissions (2):

Color Diagnostics, LLC DBA Color Health
Classification: Uncertain significance for Familial thoracic aortic aneurysm and aortic dissection. Last evaluated: 2025-08-11. Review status: criteria provided, single submitter. Criteria: ACMG Guidelines, 2015. Collection method: clinical testing. Allele origin: germline.
Comment: This missense variant replaces alanine with threonine at codon 1896 of the MYH11 protein. Computational prediction is inconclusive regarding the impact of this variant on protein structure and function. To our knowledge, functional studies have not been reported for this variant. This variant has not been reported in individuals affected with MYH11-related disorders in the literature. This variant has been identified in 1/251226 chromosomes in the general population by the Genome Aggregation Database (gnomAD). The available evidence is insufficient to determine the role of this variant in disease conclusively. Therefore, this variant is classified as a Variant of Uncertain Significance.

All of Us Research Program, National Institutes of Health
Classification: Uncertain significance for Familial thoracic aortic aneurysm and aortic dissection. Last evaluated: 2024-03-05. Review status: criteria provided, single submitter. Criteria: ACMG Guidelines, 2015. Collection method: clinical testing. Allele origin: germline. Inheritance: Autosomal dominant inheritance. Observed: 1 variant allele, 1 heterozygote.
Comment: This study involves interpretation of variants in research participants for the purpose of population health screening. Participant phenotype was not available at the time of variant classification. Additional details can be found in publication PMID: 35346344, PMCID: PMC8962531

NM_002474.3(MYH11):c.5665G>A (p.Ala1889Thr)

Genes: NDE1 (nudE neurodevelopment protein 1; plus strand), MYH11 (myosin heavy chain 11; minus strand). Cytogenetic location: 16p13.11.
Variant type: single nucleotide variant.
Coding change: c.5665G>A on transcript NM_002474.3 (MANE Select); coding-DNA position 5665, G replaced by A.
Protein change: p.Ala1889Thr; replaces alanine 1889 with threonine.
Molecular consequence: missense variant. On other transcripts: intron variant (2).
Genome position (GRCh38, 1-based): chr16:15,715,030, C>T on the plus strand (G>A on the coding strand, the complement: MYH11 is on the minus strand). VCF-style: chr16-15715030-C-T. GRCh37 (hg19) VCF-style: chr16-15808887-C-T.
Other names: c.5686G>A, p.Ala1896Thr (NM_001040113.2, NM_001040114.2); c.5665G>A, p.Ala1889Thr (NM_022844.3); c.948-9161C>T (NM_001143979.2, NM_017668.3); short protein forms A1889T, A1896T.
Identifiers: ClinVar variation 3387159 (VCV003387159.2).